The following is an entry in ClinVar:

ClinVar aggregate classification (germline): Uncertain significance. Review status: criteria provided, multiple submitters, no conflicts (2 of 4 stars). 2 submissions from 2 submitters: Uncertain significance (2). Last evaluated 2022-09-15.

Conditions:
Pseudohypoaldosteronism type 2C (PHA2C). Also called: Pseudohypoaldosteronism Type IIC. Identifiers: Orphanet 757, Orphanet 88940, MedGen C1840391, MONDO:0013778, OMIM 614492.
Neuropathy, hereditary sensory and autonomic, type 2A (HSAN2A). Also called: ACROOSTEOLYSIS, GIACCAI TYPE; ACROOSTEOLYSIS, NEUROGENIC; MORVAN DISEASE; NEUROPATHY, CONGENITAL SENSORY; NEUROPATHY, HEREDITARY SENSORY RADICULAR, AUTOSOMAL RECESSIVE; NEUROPATHY, HEREDITARY SENSORY, TYPE IIA. Identifiers: Orphanet 970, MedGen C2752089, MONDO:0024309, OMIM 201300.

Allele frequency attached by ClinVar (database versions not stated): ExAC 0.00003; gnomAD 0.00001; gnomAD exomes 0.00001; TOPMed 0.00001.
gnomAD v4.1: 23 of 1,601,836 alleles (0.0014%); highest among the groups gnomAD compares: Non-Finnish European, 0.0019%; no homozygotes.

Submissions (2):

Labcorp Genetics (formerly Invitae), Labcorp
Classification: Uncertain significance for Neuropathy, hereditary sensory and autonomic, type 2A; Pseudohypoaldosteronism type 2C. Last evaluated: 2022-09-15. Review status: criteria provided, single submitter. Criteria: Invitae Variant Classification Sherloc (09022015). Collection method: clinical testing. Allele origin: germline.
Comment: This sequence change replaces serine, which is neutral and polar, with cysteine, which is neutral and slightly polar, at codon 131 of the WNK1 protein (p.Ser131Cys). The frequency data for this variant in the population databases is considered unreliable, as metrics indicate poor data quality at this position in the gnomAD database. This variant has not been reported in the literature in individuals affected with WNK1-related conditions. ClinVar contains an entry for this variant (Variation ID: 1023628). Advanced modeling of protein sequence and biophysical properties (such as structural, functional, and spatial information, amino acid conservation, physicochemical variation, residue mobility, and thermodynamic stability) performed at Invitae indicates that this missense variant is not expected to disrupt WNK1 protein function. In summary, the available evidence is currently insufficient to determine the role of this variant in disease. Therefore, it has been classified as a Variant of Uncertain Significance.

Fulgent Genetics
Classification: Uncertain significance for Neuropathy, hereditary sensory and autonomic, type 2A; Pseudohypoaldosteronism type 2C. Last evaluated: 2021-08-02. Review status: criteria provided, single submitter. Criteria: ACMG Guidelines, 2015. Collection method: clinical testing. Allele origin: unknown.

NM_018979.4(WNK1):c.392C>G (p.Ser131Cys)

Gene: WNK1 (WNK lysine deficient protein kinase 1; plus strand). Cytogenetic location: 12p13.33.
Variant type: single nucleotide variant.
Coding change: c.392C>G on transcript NM_018979.4 (MANE Select); coding-DNA position 392, C replaced by G.
Protein change: p.Ser131Cys; replaces serine 131 with cysteine.
Molecular consequence: missense variant.
Genome position (GRCh38, 1-based): chr12:753,957, C>G. VCF-style: chr12-753957-C-G. GRCh37 (hg19) VCF-style: chr12-863123-C-G.
Other names: c.392C>G, p.Ser131Cys (NM_001184985.2, NM_014823.3, NM_213655.5); short protein forms S131C.
Identifiers: ClinVar variation 1023628 (VCV001023628.7), dbSNP rs763490893, ClinGen allele CA6381774.